The following is an entry in ClinVar:

ClinVar aggregate classification (germline): Uncertain significance (1 of 4 stars; one submission).

Submission:

GeneDx
Classification: Uncertain significance. Last evaluated: 2019-08-10. Review status: criteria provided, single submitter. Criteria: GeneDx Variant Classification Process June 2021. Collection method: clinical testing. Allele origin: germline. Affected: yes.
Comment: Not observed at a significant frequency in large population cohorts (Lek et al., 2016); In silico analysis, which includes splice predictors and evolutionary conservation, supports a deleterious effect; Has not been previously published as pathogenic or benign to our knowledge

NM_001170629.2(CHD8):c.2226+5G>A

Gene: CHD8 (chromodomain helicase DNA binding protein 8; minus strand). Cytogenetic location: 14q11.2.
Variant type: single nucleotide variant.
Coding change: c.2226+5G>A on transcript NM_001170629.2 (MANE Select); 5 bases into the intron after coding-DNA position 2226, G replaced by A.
Molecular consequence: intron variant.
Genome position (GRCh38, 1-based): chr14:21,412,908, C>T on the plus strand (G>A on the coding strand, the complement: CHD8 is on the minus strand). VCF-style: chr14-21412908-C-T. GRCh37 (hg19) VCF-style: chr14-21881067-C-T.
Other names: c.1389+5G>A (NM_020920.4).
Identifiers: ClinVar variation 1307384 (VCV001307384.2), dbSNP rs2139492436, ClinGen allele CA2573053869.